The following is an entry in ClinVar:

ClinVar aggregate classification (germline): Likely pathogenic (1 of 4 stars; one submission).

Conditions:
GPD1-related disorder. Also called: GPD1-related condition.

Submission:

PreventionGenetics, part of Exact Sciences
Classification: Likely pathogenic for GPD1-related condition. Last evaluated: 2025-10-09. Review status: criteria provided, single submitter. Criteria: ACMG Guidelines, 2015. Collection method: clinical testing. Allele origin: germline.
Comment: The GPD1 c.153_154delTG variant is predicted to result in a frameshift and premature protein termination (p.Glu52Aspfs*7). To our knowledge, this variant has not been reported in the literature. This variant is reported in 0.0026% of alleles in individuals of European (Non-Finnish) descent in gnomAD. Frameshift variants in GPD1 are expected to be pathogenic. This variant is interpreted as likely pathogenic.

NM_005276.4(GPD1):c.153_154del (p.Glu52fs)

Gene: GPD1 (glycerol-3-phosphate dehydrogenase 1; plus strand). Cytogenetic location: 12q13.12.
Variant type: Deletion.
Coding change: c.153_154del on transcript NM_005276.4 (MANE Select); coding-DNA positions 153 to 154, 2 bases deleted (TG; older notation c.153_154delTG).
Protein change: p.Glu52fs; shifts the reading frame from glutamic acid 52.
Molecular consequence: frameshift variant.
Genome position (GRCh38, 1-based): chr12:50,104,685-50,104,686, TG deleted. VCF-style (leftmost placement, unchanged base first): chr12-50104684-CTG-C. GRCh37 (hg19) VCF-style: chr12-50498467-CTG-C.
Other names: c.153_154del, p.Glu52fs (NM_001257199.2); short protein forms E52fs.
Identifiers: ClinVar variation 4979799 (VCV004979799.1).